The following is an entry in ClinVar:

NM_002755.4(MAP2K1):c.124C>T (p.Leu42Phe)

Gene: MAP2K1 (mitogen-activated protein kinase kinase 1; plus strand). Cytogenetic location: 15q22.31.
Variant type: single nucleotide variant.
Coding change: c.124C>T on transcript NM_002755.4 (MANE Select); coding-DNA position 124, C replaced by T.
Protein change: p.Leu42Phe; replaces leucine 42 with phenylalanine.
Molecular consequence: missense variant.
Genome position (GRCh38, 1-based): chr15:66,435,070, C>T. VCF-style: chr15-66435070-C-T. GRCh37 (hg19) VCF-style: chr15-66727408-C-T.
Other names: NM_002755.4(MAP2K1):c.124C>T; short protein forms L42F.
Identifiers: ClinVar variation 44587 (VCV000044587.12), dbSNP rs397516789, ClinGen allele CA279993.
Genomic context (GRCh38, chr15:66,435,070, plus strand): 5'-TCCCCACTTTGGAACAGGACCAACTTGGAGGCCTTGCAGAAGAAGCTGGAGGAGCTAGAG[C>T]TTGATGAGCAGCAGCGAAAGCGCCTTGAGGCCTTTCTTACCCAGAAGCAGAAGGTGGGAG-3'
Protein context (NP_002746.1, residues 32-52): ALQKKLEELE[Leu42Phe]DEQQRKRLEA

ClinVar aggregate classification (germline): Pathogenic. Review status: reviewed by expert panel (3 of 4 stars). 6 submissions from 6 submitters: Pathogenic (1). 5 of the submissions do not count toward it. Last evaluated 2026-02-11.

Conditions:
Cardio-facio-cutaneous syndrome. Also called: Cardiofaciocutaneous syndrome; CFC syndrome. Identifiers: Orphanet 1340, MedGen C1275081, MONDO:0015280. Disease mechanism: gain of function.
Cardiofaciocutaneous syndrome 3 (CFC3). Also called: MAP2K1-Related Cardiofaciocutaneous Syndrome. Identifiers: Orphanet 1340, MedGen C3809006, MONDO:0014113, OMIM 615279.
RASopathy. Also called: Noonan spectrum disorder; rasopathies. Identifiers: Orphanet 536391, MedGen C5555857, MONDO:0021060.

Submissions (6):

ClinGen RASopathy Variant Curation Expert Panel
Classification: Pathogenic for RASopathy. Last evaluated: 2026-02-11. Review status: reviewed by expert panel. Criteria: ClinGen RASopathy ACMG Specifications MAP2K1 V2.3.0. Collection method: curation. Allele origin: germline. Inheritance: Autosomal dominant inheritance.
Comment: The NM_002755.4:c.124C>T variant in MAP2K1 is a missense variant predicted to cause substitution of leucine by phenylalanine at amino acid 42 (p.Leu42Phe). This variant was absent from gnomAD v2.1.1 (PM2_Supporting). The computational prediction tool REVEL gives a score of 0.797, suggesting that this variant may impact the protein (PP3). This variant is located in the MAP2K1 gene, which has been defined by the ClinGen RASopathy Expert Panel as a gene with a low rate of benign missense variants and pathogenic missense variants are common (PP2). Another missense variant c.125T>G (p.Leu42Arg) in the same codon has been reported in a patient with RASopathy (ClinVar Variation ID: 1723651, GeneDx, SCV002601198.2); however, this variant has not yet met the criteria to be classified as pathogenic or likely pathogenic by the ClinGen RASopathy VCEP (PM5 not met). The p.Leu42Phe variant has been observed in at least eight probands with a RASopathy, of which one was reported as a de novo occurrence with confirmed parentage and two were reported as de novo occurrences with unconfirmed parentage (PS2_VeryStrong, PS4; PMIDs:19156172, 29907801, 30141192, 33482860, 34643321, 34580403, 37697822; Laboratory for Molecular Medicine, Mass General Brigham Personalized Medicine, Accession: SCV000061248.5; Pediatric Genetics Clinic, Sheba Medical Center, Accession: SCV001712197.1). Experimental studies for this variant are conflicting with in vitro kinase assays showing hardly any detectable phosphorylation of ERK1 substrate, similar to wild-type MEK1, while an in vivo study using mRNA microinjection of mutant into zebrafish embryo showed slightly higher oval shape aspect ratio at 11 hpf than wild-type (PS3 not applied, PMID: 28049852, 29753091). In summary, this variant meets criteria to be classified as pathogenic for autosomal dominant RASopathy based on the ACMG/AMP criteria applied, as specified by the ClinGen RASopathy Variant Curation Expert Panel: PS2_VeryStrong, PS4, PM2_Supporting, PP2, PP3 (Specification Version 2.3.0).

Women's Health and Genetics/Laboratory Corporation of America, LabCorp
Classification: Pathogenic for Cardio-facio-cutaneous syndrome. Last evaluated: 2026-02-11. Review status: criteria provided, single submitter. Criteria: LabCorp Variant Classification Summary - May 2015. Collection method: clinical testing. Allele origin: germline. Not counted in ClinVar's aggregate classification.
Comment: Variant summary: MAP2K1 c.124C>T (p.Leu42Phe) results in a non-conservative amino acid change in the encoded protein sequence. Algorithms developed to predict the effect of missense changes on protein structure and function all suggest that this variant is likely to be disruptive. The variant was absent in 251382 control chromosomes. c.124C>T has been observed in the heterozygous state in at least four unrelated individual(s) affected with clinical features and/or diagnosis of Cardiofaciocutaneous Syndrome (example, Dentici_2009, Bessis_2019, Pode-Shakked_2021, internal data) including at least 2 individuals of distinct ancestry whose variant was de novo. These data indicate that the variant is likely to be associated with disease. One publication reports experimental evidence evaluating an impact on protein function, however, does not allow convincing conclusions about the variant effect (example, Jindal_2016). The following publications have been ascertained in the context of this evaluation (PMID: 24458522, 30141192, 19156172, 28049852, 29907801, 33482860, 34580403). ClinVar contains an entry for this variant (Variation ID: 44587). Based on the evidence outlined above, the variant was classified as pathogenic.

Variantyx, Inc.
Classification: Pathogenic for Cardiofaciocutaneous syndrome 3. Last evaluated: 2026-01-09. Review status: criteria provided, single submitter. Criteria: Variantyx Assertion Criteria 2022. Collection method: clinical testing. Allele origin: de novo. Inheritance: Autosomal dominant inheritance. Affected: yes. Not counted in ClinVar's aggregate classification.
Comment: This is a nonsynonymous variant in the MAP2K1 gene (OMIM: 176872). Pathogenic variants in this gene have been associated with autosomal dominant cardiofaciocutaneous syndrome 3. It has been reported in at least 3 unrelated affected individuals (PMID: 19156172, 29907801, 30141192) (PS4_Moderate), while it is absent from control populations (PM2). Multiple computational algorithms predict a deleterious effect for this variant (REVEL score: 0.797) (PP3). Based on the current evidence, this variant is classified as pathogenic for autosomal dominant cardiofaciocutaneous syndrome 3.

Labcorp Genetics (formerly Invitae), Labcorp
Classification: Likely pathogenic for RASopathy. Last evaluated: 2023-04-14. Review status: criteria provided, single submitter. Criteria: Invitae Variant Classification Sherloc (09022015). Collection method: clinical testing. Allele origin: germline. Not counted in ClinVar's aggregate classification.
Comment: In summary, the currently available evidence indicates that the variant is pathogenic, but additional data are needed to prove that conclusively. Therefore, this variant has been classified as Likely Pathogenic. Experimental studies are conflicting or provide insufficient evidence to determine the effect of this variant on MAP2K1 function (PMID: 28049852, 29753091). An algorithm developed to predict the effect of missense changes on protein structure and function (PolyPhen-2) suggests that this variant is likely to be tolerated. ClinVar contains an entry for this variant (Variation ID: 44587). This missense change has been observed in individual(s) with cardio-facio-cutaneous syndrome and/or clinical features of MAP2K1-related conditions (PMID: 19156172, 29907801, 30141192; Invitae). In at least one individual the variant was observed to be de novo. This variant is not present in population databases (gnomAD no frequency). This sequence change replaces leucine, which is neutral and non-polar, with phenylalanine, which is neutral and non-polar, at codon 42 of the MAP2K1 protein (p.Leu42Phe).

Laboratory for Molecular Medicine, Mass General Brigham Personalized Medicine
Classification: Likely pathogenic for Cardio-facio-cutaneous syndrome. Last evaluated: 2014-10-21. Review status: criteria provided, single submitter. Criteria: LMM Criteria. Collection method: clinical testing. Allele origin: germline. Observed: 1 variant allele. Not counted in ClinVar's aggregate classification.
Comment: The p.Leu42Phe variant in MAP2K1 has been previously identified in two individua ls with clinical features of Cardio-facio-cutaneous syndrome (Dentici 2009, LMM unpublished data) and was identified to occur de novo in one individual (Dentici 2009). It was absent from large population studies. Computational prediction to ols and conservation analysis do not provide strong support for or against an im pact to the protein. In summary, the p.Leu42Phe variant is likely pathogenic, th ough additional studies are required to fully establish its clinical significanc e.

Pediatric Genetics Clinic, Sheba Medical Center
Classification: Pathogenic for Cardiofaciocutaneous syndrome 3. Last evaluated: 2021-05-13. Review status: no assertion criteria provided. Collection method: clinical testing. Allele origin: de novo. Affected: yes. Observed: 1 heterozygote. Not counted in ClinVar's aggregate classification.

Literature cited by the submitters: PubMed 19156172 (cited by 4 submitters); PubMed 24458522 (cited by Women's Health and Genetics/Laboratory Corporation of America, LabCorp); PubMed 28049852 (cited by Women's Health and Genetics/Laboratory Corporation of America, LabCorp and Labcorp Genetics (formerly Invitae), Labcorp); PubMed 29907801 (cited by 3 submitters); PubMed 30141192 (cited by 3 submitters); PubMed 33482860 (cited by Women's Health and Genetics/Laboratory Corporation of America, LabCorp); PubMed 34580403 (cited by Women's Health and Genetics/Laboratory Corporation of America, LabCorp); PubMed 29753091 (cited by Labcorp Genetics (formerly Invitae), Labcorp).